The following is an entry in ClinVar:

ClinVar aggregate classification (germline): Uncertain significance (1 of 4 stars; one submission).

Conditions:
Inborn genetic diseases. Identifiers: MedGen C0950123, MeSH D030342.

Submission:

Ambry Genetics
Classification: Uncertain significance for Inborn genetic diseases. Last evaluated: 2025-01-23. Review status: criteria provided, single submitter. Criteria: Ambry Variant Classification Scheme 2023. Collection method: clinical testing. Allele origin: germline.
Comment: The p.F1285C variant (also known as c.3854T>G), located in coding exon 39 of the FANCA gene, results from a T to G substitution at nucleotide position 3854. The phenylalanine at codon 1285 is replaced by cysteine, an amino acid with highly dissimilar properties. This amino acid position is conserved. In addition, the in silico prediction for this alteration is inconclusive. Based on the available evidence, the clinical significance of this variant remains unclear.

NM_000135.4(FANCA):c.3854T>G (p.Phe1285Cys)

Genes: FANCA (FA complementation group A; minus strand), ZNF276 (zinc finger protein 276; plus strand). Cytogenetic location: 16q24.3.
Variant type: single nucleotide variant.
Coding change: c.3854T>G on transcript NM_000135.4 (MANE Select); coding-DNA position 3854, T replaced by G.
Protein change: p.Phe1285Cys; replaces phenylalanine 1285 with cysteine.
Molecular consequence: missense variant. On other transcripts: 3 prime UTR variant (2), non-coding transcript variant (4).
Genome position (GRCh38, 1-based): chr16:89,740,074, A>C on the plus strand (T>G on the coding strand, the complement: FANCA is on the minus strand). VCF-style: chr16-89740074-A-C. GRCh37 (hg19) VCF-style: chr16-89806482-A-C.
Other names: c.3854T>G, p.Phe1285Cys (NM_001286167.3); c.*1828A>C (NM_001113525.2, NM_152287.4); short protein forms F1285C.
Identifiers: ClinVar variation 3848139 (VCV003848139.1).
Genomic context (GRCh38, chr16:89,740,074, plus strand): 5'-AGTGCCAGCCAGGATATCTTCCTCTTCTCTAAACACTCGAGGATTGCTGCACAAACGTGG[A>C]AAGCCTTTGGCAGGTCTGTGGTGCTCTGTAAACCGCAGGAGACCAACCCTGAGAATGGCC-3'
Protein context (NP_000126.2, residues 1275-1295): SNSTTDLPKA[Phe1285Cys]HVCAAILECL